The following is an entry in ClinVar:

NM_006790.3(MYOT):c.50G>A (p.Cys17Tyr)

Genes: PKD2L2-DT (PKD2L2 divergent transcript; minus strand), MYOT (myotilin; plus strand). Cytogenetic location: 5q31.2.
Variant type: single nucleotide variant.
Coding change: c.50G>A on transcript NM_006790.3 (MANE Select); coding-DNA position 50, G replaced by A.
Protein change: p.Cys17Tyr; replaces cysteine 17 with tyrosine.
Molecular consequence: missense variant. On other transcripts: intron variant (2).
Genome position (GRCh38, 1-based): chr5:137,870,701, G>A. VCF-style: chr5-137870701-G-A. GRCh37 (hg19) VCF-style: chr5-137206390-G-A.
Other names: c.-121+176G>A (NM_001300911.2); c.-197+176G>A (NM_001135940.2); short protein forms C17Y.
Identifiers: ClinVar variation 1391939 (VCV001391939.6), dbSNP rs2149978722, ClinGen allele CA361477845.

ClinVar aggregate classification (germline): Uncertain significance (1 of 4 stars; one submission).

Conditions:
Myofibrillar myopathy 3 (MFM3). Also called: Muscular dystrophy, proximal, type 1A; Autosomal dominant spheroid body myopathy. Identifiers: Orphanet 266, Orphanet 268129, MedGen C3714934, MONDO:0012215, OMIM 609200.

Submission:

Labcorp Genetics (formerly Invitae), Labcorp
Classification: Uncertain significance for Myofibrillar myopathy 3. Last evaluated: 2021-11-07. Review status: criteria provided, single submitter. Criteria: Invitae Variant Classification Sherloc (09022015). Collection method: clinical testing. Allele origin: germline.
Comment: This sequence change replaces cysteine, which is neutral and slightly polar, with tyrosine, which is neutral and polar, at codon 17 of the MYOT protein (p.Cys17Tyr). This variant is not present in population databases (gnomAD no frequency). This variant has not been reported in the literature in individuals affected with MYOT-related conditions. Algorithms developed to predict the effect of missense changes on protein structure and function are either unavailable or do not agree on the potential impact of this missense change (SIFT: "Deleterious"; PolyPhen-2: "Benign"; Align-GVGD: "Class C15"). In summary, the available evidence is currently insufficient to determine the role of this variant in disease. Therefore, it has been classified as a Variant of Uncertain Significance.